The following is an entry in ClinVar:

ClinVar aggregate classification (germline): Conflicting classifications of pathogenicity. Review status: criteria provided, conflicting classifications (1 of 4 stars). 6 submissions from 6 submitters: Uncertain significance (4); Likely benign (1). 1 of the submissions does not count toward it. Last evaluated 2026-06-23.

Conditions:
Cardiovascular phenotype. Identifiers: MedGen CN230736.
Alstrom syndrome (ALMS). Identifiers: Orphanet 64, MedGen C0268425, MONDO:0008763, OMIM 203800.

Allele frequency attached by ClinVar (database versions not stated): gnomAD exomes 0.00001; gnomAD 0.00005; TOPMed 0.00008.
gnomAD v4.1: 17 of 1,613,950 alleles (0.0011%); highest among the groups gnomAD compares: Admixed American, 0.025%; no homozygotes.

Submissions (6):

Women's Health and Genetics/Laboratory Corporation of America, LabCorp
Classification: Uncertain significance. Last evaluated: 2026-06-23. Review status: criteria provided, single submitter. Criteria: LabCorp Variant Classification Summary - May 2015. Collection method: clinical testing. Allele origin: germline.
Comment: Variant summary: ALMS1 c.3085T>A (p.Ser1029Thr) results in a conservative amino acid change in the encoded protein sequence. Algorithms developed to predict the effect of missense changes on protein structure and function all suggest that this variant is likely to be tolerated. The variant allele was found at a frequency of 1.2e-05 in 248796 control chromosomes. The available data on variant occurrences in the general population are insufficient to allow any conclusion about variant significance. To our knowledge, no occurrence of c.3085T>A in individuals affected with ALMS1-related conditions and no experimental evidence demonstrating its impact on protein function have been reported. ClinVar contains an entry for this variant (Variation ID: 1016184). Based on the evidence outlined above, the variant was classified as uncertain significance.

Ambry Genetics
Classification: Likely benign for Cardiovascular phenotype. Last evaluated: 2025-08-12. Review status: criteria provided, single submitter. Criteria: Ambry Variant Classification Scheme 2023. Collection method: clinical testing. Allele origin: germline.

Labcorp Genetics (formerly Invitae), Labcorp
Classification: Uncertain significance for Alstrom syndrome. Last evaluated: 2022-07-25. Review status: criteria provided, single submitter. Criteria: Invitae Variant Classification Sherloc (09022015). Collection method: clinical testing. Allele origin: germline.
Comment: This sequence change replaces serine, which is neutral and polar, with threonine, which is neutral and polar, at codon 1031 of the ALMS1 protein (p.Ser1031Thr). This variant is present in population databases (no rsID available, gnomAD 0.003%). This variant has not been reported in the literature in individuals affected with ALMS1-related conditions. ClinVar contains an entry for this variant (Variation ID: 1016184). Experimental studies and prediction algorithms are not available or were not evaluated, and the functional significance of this variant is currently unknown. In summary, the available evidence is currently insufficient to determine the role of this variant in disease. Therefore, it has been classified as a Variant of Uncertain Significance.

Fulgent Genetics
Classification: Uncertain significance for Alstrom syndrome. Last evaluated: 2022-05-31. Review status: criteria provided, single submitter. Criteria: ACMG Guidelines, 2015. Collection method: clinical testing. Allele origin: unknown.

Blueprint Genetics
Classification: Uncertain significance. Last evaluated: 2020-06-12. Review status: criteria provided, single submitter. Criteria: ACMG Guidelines, 2015. Collection method: clinical testing. Allele origin: germline.

Natera, Inc.
Classification: Uncertain significance for Alstrom syndrome. Last evaluated: 2020-03-01. Review status: no assertion criteria provided. Collection method: clinical testing. Allele origin: germline. Not counted in ClinVar's aggregate classification.

NM_001378454.1(ALMS1):c.3088T>A (p.Ser1030Thr)

Gene: ALMS1 (ALMS1 centrosome and basal body associated protein; plus strand). Cytogenetic location: 2p13.1.
Variant type: single nucleotide variant.
Coding change: c.3088T>A on transcript NM_001378454.1 (MANE Select); coding-DNA position 3088, T replaced by A.
Protein change: p.Ser1030Thr; replaces serine 1030 with threonine.
Molecular consequence: missense variant.
Genome position (GRCh38, 1-based): chr2:73,449,615, T>A. VCF-style: chr2-73449615-T-A. GRCh37 (hg19) VCF-style: chr2-73676742-T-A.
Other names: c.3091T>A, p.Ser1031Thr (NM_015120.4); short protein forms S1030T, S1031T.
Identifiers: ClinVar variation 1016184 (VCV001016184.12), dbSNP rs1023974968, ClinGen allele CA50392140.
Genomic context (GRCh38, chr2:73,449,615, plus strand): 5'-AGTATTTTCTATCAACAGGAGTGGCCAGATAGTTATGCAACTGAAAAGGCTCTGAAAGTT[T>A]CAACTGGCCCTGGACCAGCTGACCAGAAGACTGAGATACCAGCAGTACAGTCTAGTTCTT-3'
Protein context (NP_001365383.1, residues 1020-1040): SYATEKALKV[Ser1030Thr]TGPGPADQKT